The following is an entry in ClinVar:

Conditions:
Breast-ovarian cancer, familial, susceptibility to, 1 (BROVCA1). Also called: BRCA1 Hereditary Breast and Ovarian Cancer; OVARIAN CANCER, SUSCEPTIBILITY TO. Identifiers: Orphanet 145, MedGen C2676676, MONDO:0011450, OMIM 604370. Disease mechanism: loss of function.

Submission:

Brotman Baty Institute, University of Washington
No classification provided (evidence only). Condition: Breast-ovarian cancer, familial 1. Review status: no classification provided. Collection method: in vitro. Allele origin: not applicable. Functional consequence: functionally_normal.
ClinVar note: "not provided" was previously submitted as the classification for the variant. However, the classification appeared to be based only on an observation of functional data so it was converted to no classification on 2025-07-30.

NM_007294.4(BRCA1):c.4939A>T (p.Asn1647Tyr)

Gene: BRCA1 (BRCA1 DNA repair associated; minus strand). Cytogenetic location: 17q21.31.
Variant type: single nucleotide variant.
Coding change: c.4939A>T on transcript NM_007294.4 (MANE Select); coding-DNA position 4939, A replaced by T.
Protein change: p.Asn1647Tyr; replaces asparagine 1647 with tyrosine.
Molecular consequence: missense variant. On other transcripts: non-coding transcript variant (1).
Genome position (GRCh38, 1-based): chr17:43,070,975, T>A on the plus strand (A>T on the coding strand, the complement: BRCA1 is on the minus strand). VCF-style: chr17-43070975-T-A. GRCh37 (hg19) VCF-style: chr17-41222992-T-A.
Other names: c.4810A>T, p.Asn1604Tyr (NM_001407941.1, NM_001407681.1, NM_001407682.1 and 6 more transcripts); c.4798A>T, p.Asn1600Tyr (NM_001407942.1, NM_007297.4, NM_001407724.1 and 13 more transcripts); c.4795A>T, p.Asn1599Tyr (NM_001407943.1, NM_001407732.1, NM_001407743.1 and 21 more transcripts); c.4603A>T, p.Asn1535Tyr (NM_001407954.1, NM_001407955.1, NM_001407950.1 and 3 more transcripts); c.4600A>T, p.Asn1534Tyr (NM_001407956.1, NM_001407957.1, NM_001407958.1); c.4558A>T, p.Asn1520Tyr (NM_001407959.1); c.4555A>T, p.Asn1519Tyr (NM_001407960.1, NM_001407962.1); c.4552A>T, p.Asn1518Tyr (NM_001407963.1); and 70 more; short protein forms N1600Y, N1647Y, N1668Y, N543Y, N1351Y, N1493Y, N1520Y, N1534Y.
Identifiers: ClinVar variation 865440 (VCV000865440.3), dbSNP rs2052370892, ClinGen allele CA10591646.
Genomic context (GRCh38, chr17:43,070,975, plus strand): 5'-TGGATACACTCACAAATTCTTCTGGGGTCAGGCCAGACACCACCATGGACATTCTTTTGT[T>A]GACCCTTTCTGTTGAAGCTGTCAATTCTGGCTTCTCCCTGCTCACACTTTCTTCCATTGC-3'
Protein context (NP_009225.1, residues 1637-1657): PELTASTERV[Asn1647Tyr]KRMSMVVSGL